The following is an entry in ClinVar:

NM_001004356.3(FGFRL1):c.510C>T (p.Leu170=)

Gene: FGFRL1 (fibroblast growth factor receptor like 1; plus strand). Cytogenetic location: 4p16.3.
Variant type: single nucleotide variant.
Coding change: c.510C>T on transcript NM_001004356.3 (MANE Select); coding-DNA position 510, C replaced by T.
Protein change: p.Leu170=; no amino-acid change (leucine 170 retained).
Molecular consequence: synonymous variant.
Genome position (GRCh38, 1-based): chr4:1,023,893, C>T. VCF-style: chr4-1023893-C-T. GRCh37 (hg19) VCF-style: chr4-1017681-C-T.
Other names: c.510C>T, p.Leu170= (NM_001004358.1, NM_001370296.1, NM_021923.3).
Identifiers: ClinVar variation 3234751 (VCV003234751.20), dbSNP rs1181132620, ClinGen allele CA438058415.

ClinVar aggregate classification (germline): Likely benign (1 of 4 stars; one submission).

Submission:

CeGaT Center for Human Genetics Tuebingen
Classification: Likely benign. Last evaluated: 2024-04-01. Review status: criteria provided, single submitter. Criteria: CeGaT Center For Human Genetics Tuebingen Variant Classification Criteria Version 2. Collection method: clinical testing. Allele origin: germline. Affected: yes. Observed: 1 variant allele.
Comment: FGFRL1: PM2:Supporting, BP4, BP7